The following is an entry in ClinVar:

ClinVar aggregate classification (germline): Pathogenic (1 of 4 stars; one submission).

Conditions:
Autosomal recessive congenital ichthyosis 1 (LI1). Also called: DESQUAMATION OF NEWBORN; ICHTHYOSIS CONGENITA; ICHTHYOSIS CONGENITA II; LAMELLAR EXFOLIATION OF NEWBORN; ICHTHYOSIS, CONGENITAL, AUTOSOMAL RECESSIVE 1, WITH BATHING SUIT DISTRIBUTION; ICHTHYOSIS, CONGENITAL, AUTOSOMAL RECESSIVE 1, WITH OR WITHOUT BATHING SUIT DISTRIBUTION. Identifiers: MedGen C4551630, MONDO:0009441, OMIM 242300.

Submission:

Myriad Genetics, Inc.
Classification: Pathogenic for Autosomal recessive congenital ichthyosis 1. Last evaluated: 2023-10-16. Review status: criteria provided, single submitter. Criteria: Myriad Autosomal Dominant, Autosomal Recessive and X-Linked Classification Criteria (2023). Collection method: clinical testing. Allele origin: unknown.
Comment: NM_000359.2(TGM1):c.133delG(A45Lfs*66) is expected to be pathogenic in the context of TGM1-related autosomal recessive congenital ichthyosis. This variant is predicted to lead to an abnormal or absent protein product due to the creation of a premature termination codon in TGM1, a gene where loss-of-function variants are known to be pathogenic. Please note: this variant was assessed in the context of healthy population screening.

NM_000359.3(TGM1):c.133del (p.Ala45fs)

Gene: TGM1 (transglutaminase 1; minus strand). Cytogenetic location: 14q12.
Variant type: Deletion.
Coding change: c.133del on transcript NM_000359.3 (MANE Select); coding-DNA position 133, one base deleted (G; older notation c.133delG).
Protein change: p.Ala45fs; shifts the reading frame from alanine 45.
Molecular consequence: frameshift variant.
Genome position (GRCh38, 1-based): chr14:24,262,220, C deleted on the plus strand (G on the coding strand, the reverse complement: TGM1 is on the minus strand); the first of 3 consecutive C bases (chr14:24,262,220-24,262,222); deleting any one gives the same sequence. VCF-style (leftmost placement, unchanged base first): chr14-24262219-GC-G. GRCh37 (hg19) VCF-style: chr14-24731425-GC-G.
Other names: short protein forms A45fs.
Identifiers: ClinVar variation 5012403 (VCV005012403.1).